The following is an entry in ClinVar:

NM_001987.5(ETV6):c.971C>T (p.Pro324Leu)

Gene: ETV6 (ETS variant transcription factor 6; plus strand). Cytogenetic location: 12p13.2.
Variant type: single nucleotide variant.
Coding change: c.971C>T on transcript NM_001987.5 (MANE Select); coding-DNA position 971, C replaced by T.
Protein change: p.Pro324Leu; replaces proline 324 with leucine.
Molecular consequence: missense variant.
Genome position (GRCh38, 1-based): chr12:11,869,931, C>T. VCF-style: chr12-11869931-C-T. GRCh37 (hg19) VCF-style: chr12-12022865-C-T.
Other names: c.968C>T, p.Pro323Leu (NM_001413913.1); c.944C>T, p.Pro315Leu (NM_001413914.1); c.707C>T, p.Pro236Leu (NM_001413915.1); c.971C>T, p.Pro324Leu (NM_001413916.1, NM_001413917.1); short protein forms P236L, P315L, P323L, P324L.
Identifiers: ClinVar variation 2978646 (VCV002978646.4), dbSNP rs1274778570, ClinGen allele CA384044355.
Genomic context (GRCh38, chr12:11,869,931, plus strand): 5'-TCAACCTCTCTCATCGGGAAGACCTGGCTTACATGAACCACATCATGGTCTCTGTCTCCC[C>T]GCCTGAAGAGCACGCCATGCCCATTGGGAGAATAGCAGGTGAGTGAGTTCCCCTCTCGCC-3'
Protein context (NP_001978.1, residues 314-334): YMNHIMVSVS[Pro324Leu]PEEHAMPIGR

ClinVar aggregate classification (germline): Uncertain significance. Review status: criteria provided, multiple submitters, no conflicts (2 of 4 stars). 2 submissions from 2 submitters: Uncertain significance (2). Last evaluated 2025-01-20.

Conditions:
Inborn genetic diseases. Identifiers: MedGen C0950123, MeSH D030342.

Allele frequency attached by ClinVar (database versions not stated): gnomAD 0.00001; TOPMed 0.00001.
gnomAD v4.1: 7 of 1,610,084 alleles (0.00043%); highest among the groups gnomAD compares: Admixed American, 0.0033%; no homozygotes.

Submissions (2):

Ambry Genetics
Classification: Uncertain significance for Inborn genetic diseases. Last evaluated: 2025-01-20. Review status: criteria provided, single submitter. Criteria: Ambry Variant Classification Scheme 2023. Collection method: clinical testing. Allele origin: germline.
Comment: The p.P324L variant (also known as c.971C>T), located in coding exon 5 of the ETV6 gene, results from a C to T substitution at nucleotide position 971. The proline at codon 324 is replaced by leucine, an amino acid with similar properties. This amino acid position is conserved. In addition, this alteration is predicted to be tolerated by in silico analysis. Based on the available evidence, the clinical significance of this variant remains unclear.

Labcorp Genetics (formerly Invitae), Labcorp
Classification: Uncertain significance. Last evaluated: 2023-04-22. Review status: criteria provided, single submitter. Criteria: Invitae Variant Classification Sherloc (09022015). Collection method: clinical testing. Allele origin: germline.
Comment: This variant has not been reported in the literature in individuals affected with ETV6-related conditions. This variant is present in population databases (no rsID available, gnomAD 0.1%). This sequence change replaces proline, which is neutral and non-polar, with leucine, which is neutral and non-polar, at codon 324 of the ETV6 protein (p.Pro324Leu). Advanced modeling of protein sequence and biophysical properties (such as structural, functional, and spatial information, amino acid conservation, physicochemical variation, residue mobility, and thermodynamic stability) performed at Invitae indicates that this missense variant is not expected to disrupt ETV6 protein function. In summary, the available evidence is currently insufficient to determine the role of this variant in disease. Therefore, it has been classified as a Variant of Uncertain Significance.